The following is an entry in ClinVar:

ClinVar aggregate classification (germline): Uncertain significance (1 of 4 stars; one submission).

Conditions:
Pitt-Hopkins-like syndrome 2 (PTHSL2). Identifiers: Orphanet 221150, Orphanet 600663, MedGen C3280479, MONDO:0013690, OMIM 614325.

Submission:

Labcorp Genetics (formerly Invitae), Labcorp
Classification: Uncertain significance for Pitt-Hopkins-like syndrome 2. Last evaluated: 2020-01-27. Review status: criteria provided, single submitter. Criteria: Invitae Variant Classification Sherloc (09022015). Collection method: clinical testing. Allele origin: germline.
Comment: This variant has not been reported in the literature in individuals with NRXN1-related disease. This sequence change replaces glutamine with leucine at codon 7 of the NRXN1 protein (p.Gln7Leu). The glutamine residue is highly conserved and there is a moderate physicochemical difference between glutamine and leucine. While this variant is not present in population databases, the frequency information is unreliable, as metrics indicate poor data quality at this position in the ExAC database. Algorithms developed to predict the effect of missense changes on protein structure and function (SIFT, PolyPhen-2, Align-GVGD) all suggest that this variant is likely to be tolerated, but these predictions have not been confirmed by published functional studies and their clinical significance is uncertain. In summary, the available evidence is currently insufficient to determine the role of this variant in disease. Therefore, it has been classified as a Variant of Uncertain Significance.

NM_001330078.2(NRXN1):c.20A>T (p.Gln7Leu)

Gene: NRXN1 (neurexin 1; minus strand). Cytogenetic location: 2p16.3.
Variant type: single nucleotide variant.
Coding change: c.20A>T on transcript NM_001330078.2 (MANE Select); coding-DNA position 20, A replaced by T.
Protein change: p.Gln7Leu; replaces glutamine 7 with leucine.
Molecular consequence: missense variant.
Genome position (GRCh38, 1-based): chr2:51,028,254, T>A on the plus strand (A>T on the coding strand, the complement: NRXN1 is on the minus strand). VCF-style: chr2-51028254-T-A. GRCh37 (hg19) VCF-style: chr2-51255392-T-A.
Other names: c.20A>T, p.Gln7Leu (NM_001330079.2, NM_001330081.2, NM_001330082.2 and 15 more transcripts); short protein forms Q7L.
Identifiers: ClinVar variation 582406 (VCV000582406.8), dbSNP rs1558617775, ClinGen allele CA346824870.